The following is an entry in ClinVar:

ClinVar aggregate classification (germline): Uncertain significance (1 of 4 stars; one submission).

Submission:

CeGaT Center for Human Genetics Tuebingen
Classification: Uncertain significance. Last evaluated: 2023-10-01. Review status: criteria provided, single submitter. Criteria: CeGaT Center For Human Genetics Tuebingen Variant Classification Criteria Version 2. Collection method: clinical testing. Allele origin: germline. Affected: yes. Observed: 1 variant allele.
Comment: CNTNAP2: PM2, BP1

NM_014141.6(CNTNAP2):c.788C>G (p.Thr263Arg)

Gene: CNTNAP2 (contactin associated protein 2; plus strand). Cytogenetic location: 7q35.
Variant type: single nucleotide variant.
Coding change: c.788C>G on transcript NM_014141.6 (MANE Select); coding-DNA position 788, C replaced by G.
Protein change: p.Thr263Arg; replaces threonine 263 with arginine.
Molecular consequence: missense variant.
Genome position (GRCh38, 1-based): chr7:147,121,012, C>G. VCF-style: chr7-147121012-C-G. GRCh37 (hg19) VCF-style: chr7-146818104-C-G.
Other names: short protein forms T263R.
Identifiers: ClinVar variation 2658137 (VCV002658137.24), dbSNP rs200933217, ClinGen allele CA369923781.